The following is an entry in ClinVar:

ClinVar aggregate classification (germline): Benign/Likely benign. Review status: criteria provided, multiple submitters, no conflicts (2 of 4 stars). 4 submissions from 4 submitters: Benign (2); Likely benign (2). Last evaluated 2026-01-26.

Conditions:
Rhizomelic chondrodysplasia punctata type 3 (RCDP3). Also called: Alkylglycerone Phosphate Synthase (AGPS) deficiency; ALKYLDIHYDROXYACETONEPHOSPHATE SYNTHASE DEFICIENCY. Identifiers: Orphanet 177, Orphanet 309803, MedGen C1838612, MONDO:0010823, OMIM 600121. Disease mechanism: loss of function.

Allele frequency attached by ClinVar (database versions not stated): gnomAD exomes 0.00033 and 0.00086; ExAC 0.00094; gnomAD 0.00299 and 0.00324; TOPMed 0.00374; ESP Exome Variant Server 0.00377; 1000 Genomes Project 0.00379; 1000 Genomes Project 30x 0.00390.
gnomAD v4.1: 971 of 1,611,594 alleles (0.06%); highest among the groups gnomAD compares: African/African-American, 1.2%; 8 homozygotes.

Submissions (4):

Labcorp Genetics (formerly Invitae), Labcorp
Classification: Benign. Last evaluated: 2026-01-26. Review status: criteria provided, single submitter. Criteria: Invitae Variant Classification Sherloc (09022015). Collection method: clinical testing. Allele origin: germline.

Blueprint Genetics
Classification: Likely benign. Last evaluated: 2024-11-14. Review status: criteria provided, single submitter. Criteria: ACMG Guidelines, 2015. Collection method: clinical testing. Allele origin: germline.

Illumina Laboratory Services, Illumina
Classification: Likely benign for Rhizomelic chondrodysplasia punctata type 3. Last evaluated: 2018-01-13. Review status: criteria provided, single submitter. Criteria: ICSL Variant Classification Criteria 13 December 2019. Collection method: clinical testing. Allele origin: germline.
Comment: This variant was observed in the ICSL laboratory as part of a predisposition screen in an ostensibly healthy population. It had not been previously curated by ICSL or reported in the Human Gene Mutation Database (HGMD: prior to June 1st, 2018), and was therefore a candidate for classification through an automated scoring system. Utilizing variant allele frequency, disease prevalence and penetrance estimates, and inheritance mode, an automated score was calculated to assess if this variant is too frequent to cause the disease. Based on the score and internal cut-off values, a variant classified as likely benign is not then subjected to further curation. The score for this variant resulted in a classification of likely benign for this disease.

GeneDx
Classification: Benign. Last evaluated: 2017-05-19. Review status: criteria provided, single submitter. Criteria: GeneDx Variant Classification (06012015). Collection method: clinical testing. Allele origin: germline. Affected: yes.
Comment: This variant is considered likely benign or benign based on one or more of the following criteria: it is a conservative change, it occurs at a poorly conserved position in the protein, it is predicted to be benign by multiple in silico algorithms, and/or has population frequency not consistent with disease.

NM_003659.4(AGPS):c.1698-14T>C

Gene: AGPS (alkylglycerone phosphate synthase; plus strand). Cytogenetic location: 2q31.2.
Variant type: single nucleotide variant.
Coding change: c.1698-14T>C on transcript NM_003659.4 (MANE Select); 14 bases into the intron before coding-DNA position 1698, T replaced by C.
Molecular consequence: intron variant.
Genome position (GRCh38, 1-based): chr2:177,521,255, T>C. VCF-style: chr2-177521255-T-C. GRCh37 (hg19) VCF-style: chr2-178385983-T-C.
Identifiers: ClinVar variation 332522 (VCV000332522.13), dbSNP rs113523500, ClinGen allele CA1980412.